The following is an entry in ClinVar:

NM_003011.4(SET):c.422A>G (p.Lys141Arg)

Gene: SET (SET nuclear proto-oncogene; plus strand). Cytogenetic location: 9q34.11.
Variant type: single nucleotide variant.
Coding change: c.422A>G on transcript NM_003011.4 (MANE Select); coding-DNA position 422, A replaced by G.
Protein change: p.Lys141Arg; replaces lysine 141 with arginine.
Molecular consequence: missense variant.
Genome position (GRCh38, 1-based): chr9:128,692,911, A>G. VCF-style: chr9-128692911-A-G. GRCh37 (hg19) VCF-style: chr9-131455190-A-G.
Other names: c.461A>G, p.Lys154Arg (NM_001122821.2, NM_001374326.1); c.395A>G, p.Lys132Arg (NM_001248000.2); c.389A>G, p.Lys130Arg (NM_001248001.2); short protein forms K130R, K132R, K141R, K154R.
Identifiers: ClinVar variation 3899875 (VCV003899875.1).

ClinVar aggregate classification (germline): Uncertain significance (1 of 4 stars; one submission).

Conditions:
Intellectual developmental disorder, autosomal dominant 58. Also called: MENTAL RETARDATION, AUTOSOMAL DOMINANT 58; Intellectual disability, autosomal dominant 58. Identifiers: MedGen C4748195, MONDO:0020847, OMIM 618106.

gnomAD v4.1: 1 of 1,606,302 alleles (0.000062%); highest among the groups gnomAD compares: Admixed American, 0.0017%; no homozygotes.

Submission:

Genetics Department, Catlab
Classification: Uncertain significance for Intellectual developmental disorder, autosomal dominant 58. Last evaluated: 2025-01-16. Review status: criteria provided, single submitter. Criteria: ACMG Guidelines, 2015. Collection method: clinical testing. Allele origin: germline. Affected: yes. Observed: 1 variant allele.
Comment: The c.422A>G has not been previously identified in patients nor in the gnomAD dabatse (PM2). The change has a REVEL pathogenicity score of 0.656 (PP3) and the missense z-score of the SET gene is 3.21 (PP2). With all the available evidence, the variant is classified as of uncertain significance.